The following is an entry in ClinVar:

NM_000059.4(BRCA2):c.8632+14T>C

Gene: BRCA2 (BRCA2 DNA repair associated; plus strand). Cytogenetic location: 13q13.1.
Variant type: single nucleotide variant.
Coding change: c.8632+14T>C on transcript NM_000059.4 (MANE Select); 14 bases into the intron after coding-DNA position 8632, T replaced by C.
Molecular consequence: intron variant.
Genome position (GRCh38, 1-based): chr13:32,371,114, T>C. VCF-style: chr13-32371114-T-C. GRCh37 (hg19) VCF-style: chr13-32945251-T-C.
Identifiers: ClinVar variation 182300 (VCV000182300.15), dbSNP rs730881596, ClinGen allele CA025739.

ClinVar aggregate classification (germline): Benign/Likely benign. Review status: criteria provided, multiple submitters, no conflicts (2 of 4 stars). 3 submissions from 3 submitters: Benign (1); Likely benign (2). Last evaluated 2026-01-13.

Conditions:
Hereditary breast ovarian cancer syndrome. Also called: Breast and ovarian cancer; Hereditary breast and ovarian cancer syndrome; Hereditary breast and ovarian cancer; BRCA1- and BRCA2-Associated Hereditary Breast and Ovarian Cancer; Hereditary breast and ovarian cancer syndrome (HBOC); Hereditary breast and/or ovarian cancer syndrome. Identifiers: Orphanet 145, MedGen C0677776, MeSH D061325, MONDO:0003582. Disease mechanism: loss of function.

Allele frequency attached by ClinVar (database versions not stated): gnomAD exomes below 0.00001; gnomAD 0.00001.
gnomAD v4.1: 3 of 1,611,604 alleles (0.00019%); highest among the groups gnomAD compares: Non-Finnish European, 0.00025%; no homozygotes.

Submissions (3):

Women's Health and Genetics/Laboratory Corporation of America, LabCorp
Classification: Likely benign. Last evaluated: 2026-01-13. Review status: criteria provided, single submitter. Criteria: LabCorp Variant Classification Summary - May 2015. Collection method: clinical testing. Allele origin: germline.
Comment: Variant summary: BRCA2 c.8632+14T>C alters a nucleotide located at a position not widely known to affect splicing. Consensus agreement among computation tools predict no significant impact on normal splicing. However, these predictions have yet to be confirmed by functional studies. The variant was absent in 249800 control chromosomes. The available data on variant occurrences in the general population are insufficient to allow any conclusion about variant significance. c.8632+14T>C has been observed in individual(s) affected with Hereditary Breast And Ovarian Cancer Syndrome (Borg_2010) without evidence for causality. These report(s) do not provide unequivocal conclusions about association of the variant with Hereditary Breast And Ovarian Cancer Syndrome. To our knowledge, no experimental evidence demonstrating an impact on protein function has been reported. The following publication have been ascertained in the context of this evaluation (PMID: 20104584). ClinVar contains an entry for this variant (Variation ID: 182300). Based on the evidence outlined above, the variant was classified as likely benign.

Labcorp Genetics (formerly Invitae), Labcorp
Classification: Likely benign for Hereditary breast ovarian cancer syndrome. Last evaluated: 2026-01-06. Review status: criteria provided, single submitter. Criteria: Invitae Variant Classification Sherloc (09022015). Collection method: clinical testing. Allele origin: germline.

GeneDx
Classification: Benign. Last evaluated: 2014-10-01. Review status: criteria provided, single submitter. Criteria: GeneDx Variant Classification (06012015). Collection method: clinical testing. Allele origin: germline. Affected: yes.
Comment: This variant is considered likely benign or benign based on one or more of the following criteria: it is a conservative change, it occurs at a poorly conserved position in the protein, it is predicted to be benign by multiple in silico algorithms, and/or has population frequency not consistent with disease.

Literature cited by the submitters: PubMed 20104584 (cited by Women's Health and Genetics/Laboratory Corporation of America, LabCorp).